The following is an entry in ClinVar:

ClinVar aggregate classification (germline): Uncertain significance. Review status: criteria provided, multiple submitters, no conflicts (2 of 4 stars). 2 submissions from 2 submitters: Uncertain significance (2). Last evaluated 2023-01-10.

Submissions (2):

Labcorp Genetics (formerly Invitae), Labcorp
Classification: Uncertain significance. Last evaluated: 2023-01-10. Review status: criteria provided, single submitter. Criteria: Invitae Variant Classification Sherloc (09022015). Collection method: clinical testing. Allele origin: germline.
Comment: This sequence change replaces methionine, which is neutral and non-polar, with threonine, which is neutral and polar, at codon 301 of the FAR1 protein (p.Met301Thr). In summary, the available evidence is currently insufficient to determine the role of this variant in disease. Therefore, it has been classified as a Variant of Uncertain Significance. Advanced modeling of protein sequence and biophysical properties (such as structural, functional, and spatial information, amino acid conservation, physicochemical variation, residue mobility, and thermodynamic stability) performed at Invitae indicates that this missense variant is not expected to disrupt FAR1 protein function. ClinVar contains an entry for this variant (Variation ID: 1312329). This variant has not been reported in the literature in individuals affected with FAR1-related conditions. This variant is not present in population databases (gnomAD no frequency).

GeneDx
Classification: Uncertain significance. Last evaluated: 2019-09-13. Review status: criteria provided, single submitter. Criteria: GeneDx Variant Classification Process June 2021. Collection method: clinical testing. Allele origin: germline. Affected: yes.
Comment: Not observed in large population cohorts (Lek et al., 2016); In silico analysis, which includes protein predictors and evolutionary conservation, supports that this variant does not alter protein structure/function; Has not been previously published as pathogenic or benign to our knowledge

NM_032228.6(FAR1):c.902T>C (p.Met301Thr)

Gene: FAR1 (fatty acyl-CoA reductase 1; plus strand). Cytogenetic location: 11p15.3.
Variant type: single nucleotide variant.
Coding change: c.902T>C on transcript NM_032228.6 (MANE Select); coding-DNA position 902, T replaced by C.
Protein change: p.Met301Thr; replaces methionine 301 with threonine.
Molecular consequence: missense variant.
Genome position (GRCh38, 1-based): chr11:13,712,980, T>C. VCF-style: chr11-13712980-T-C. GRCh37 (hg19) VCF-style: chr11-13734527-T-C.
Other names: short protein forms M301T.
Identifiers: ClinVar variation 1312329 (VCV001312329.5), dbSNP rs1378837719, ClinGen allele CA379857976.